The following is an entry in ClinVar:

ClinVar aggregate classification (germline): Uncertain significance (1 of 4 stars; one submission).

Allele frequency attached by ClinVar (database versions not stated): gnomAD exomes below 0.00001; ExAC 0.00001.
gnomAD v4.1: 2 of 1,613,870 alleles (0.00012%); highest among the groups gnomAD compares: Admixed American, 0.0033%; no homozygotes.

Submission:

Labcorp Genetics (formerly Invitae), Labcorp
Classification: Uncertain significance. Last evaluated: 2022-08-31. Review status: criteria provided, single submitter. Criteria: Invitae Variant Classification Sherloc (09022015). Collection method: clinical testing. Allele origin: germline.
Comment: This sequence change replaces tyrosine, which is neutral and polar, with histidine, which is basic and polar, at codon 189 of the ZIC1 protein (p.Tyr189His). This variant is present in population databases (rs774516613, gnomAD 0.006%). This variant has not been reported in the literature in individuals affected with ZIC1-related conditions. Algorithms developed to predict the effect of missense changes on protein structure and function (SIFT, PolyPhen-2, Align-GVGD) all suggest that this variant is likely to be disruptive. In summary, the available evidence is currently insufficient to determine the role of this variant in disease. Therefore, it has been classified as a Variant of Uncertain Significance.

NM_003412.4(ZIC1):c.565T>C (p.Tyr189His)

Gene: ZIC1 (Zic family zinc finger 1; plus strand). Cytogenetic location: 3q24.
Variant type: single nucleotide variant.
Coding change: c.565T>C on transcript NM_003412.4 (MANE Select); coding-DNA position 565, T replaced by C.
Protein change: p.Tyr189His; replaces tyrosine 189 with histidine.
Molecular consequence: missense variant.
Genome position (GRCh38, 1-based): chr3:147,410,677, T>C. VCF-style: chr3-147410677-T-C. GRCh37 (hg19) VCF-style: chr3-147128464-T-C.
Other names: short protein forms Y189H.
Identifiers: ClinVar variation 1717279 (VCV001717279.5), dbSNP rs774516613, ClinGen allele CA2657101.